The following is an entry in ClinVar:

ClinVar aggregate classification (germline): Uncertain significance (1 of 4 stars; one submission).

Submission:

Women's Health and Genetics/Laboratory Corporation of America, LabCorp
Classification: Uncertain significance. Last evaluated: 2023-09-06. Review status: criteria provided, single submitter. Criteria: LabCorp Variant Classification Summary - May 2015. Collection method: clinical testing. Allele origin: germline.
Comment: Variant summary: The variant identified by MLPA or other technology involves the duplication of exons 4-12, which involves the last exon in the GNB1 gene. The exact breakpoint at the 3' end of this variant is unknown and therefore this duplication might extend beyond the assayed region of the DMD gene. A presumed nomenclature of c.(57+1_58-1)_(*1780_?)dup has been designated for the purposes of this classification. It has been assumed that this is a tandem duplication in direct orientation (Richardson_GIM_2018, Newman_AJHG_2015). Since the exact breakpoints of this duplication are not known, it is not possible to predict the protein level effect of this variant. The variant was absent in 21694 control chromosomes in the gnomAD database, structural variants dataset. The available data on variant occurrences in the general population are insufficient to allow any conclusion about variant significance. To our knowledge, no occurrence of c.(57+1_58-1)_(*1780_?)dup in individuals affected with Intellectual Disability, Autosomal Dominant 42 and no experimental evidence demonstrating its impact on protein function have been reported. No submitters have cited clinical-significance assessments for this variant to ClinVar after 2014. In conclusion, while it may be assumed that duplication variants including a larger DNA segment downstream of the gene might result in regular transcription- and translation termination with an unaffected protein product, however shorter tandem duplication variants involving the last exon may result in a frameshift or in-frame duplication change, and also can affect the 3' UTR end of the mRNA, which might be associated with disease. Since it is not possible to distinguish between these two outcomes in the context of this evaluation, the variant was classified as uncertain significance.

NC_000001.10:g.(?_1716723)_(1749315_1756835)dup

Gene: GNB1 (G protein subunit beta 1; minus strand). Cytogenetic location: 1p36.33.
Variant type: Duplication.
Identifiers: ClinVar variation 2627127 (VCV002627127.1).